The following is an entry in ClinVar:

NM_004281.4(BAG3):c.655C>A (p.Pro219Thr)

Gene: BAG3 (BAG cochaperone 3; plus strand). Cytogenetic location: 10q26.11.
Variant type: single nucleotide variant.
Coding change: c.655C>A on transcript NM_004281.4 (MANE Select); coding-DNA position 655, C replaced by A.
Protein change: p.Pro219Thr; replaces proline 219 with threonine.
Molecular consequence: missense variant.
Genome position (GRCh38, 1-based): chr10:119,672,402, C>A. VCF-style: chr10-119672402-C-A. GRCh37 (hg19) VCF-style: chr10-121431914-C-A.
Other names: short protein forms P219T.
Identifiers: ClinVar variation 3750097 (VCV003750097.2).

ClinVar aggregate classification (germline): Uncertain significance (1 of 4 stars; one submission).

Conditions:
Myofibrillar myopathy 6. Identifiers: Orphanet 199340, MedGen C2751831, MONDO:0013061, OMIM 612954.
Dilated cardiomyopathy 1HH (CMD1HH). Identifiers: Orphanet 154, MedGen C3151293, MONDO:0013479, OMIM 613881.

Submission:

Labcorp Genetics (formerly Invitae), Labcorp
Classification: Uncertain significance for Dilated cardiomyopathy 1HH; Myofibrillar myopathy 6. Last evaluated: 2024-08-07. Review status: criteria provided, single submitter. Criteria: Invitae Variant Classification Sherloc (09022015). Collection method: clinical testing. Allele origin: germline.
Comment: This sequence change replaces proline, which is neutral and non-polar, with threonine, which is neutral and polar, at codon 219 of the BAG3 protein (p.Pro219Thr). This variant is not present in population databases (gnomAD no frequency). This variant has not been reported in the literature in individuals affected with BAG3-related conditions. Advanced modeling of protein sequence and biophysical properties (such as structural, functional, and spatial information, amino acid conservation, physicochemical variation, residue mobility, and thermodynamic stability) performed at Invitae indicates that this missense variant is not expected to disrupt BAG3 protein function with a negative predictive value of 80%. In summary, the available evidence is currently insufficient to determine the role of this variant in disease. Therefore, it has been classified as a Variant of Uncertain Significance.